The following is an entry in ClinVar:

NM_018474.6(KIZ):c.583C>T (p.Arg195Ter)

Gene: KIZ (kizuna centrosomal protein; plus strand). Cytogenetic location: 20p11.23.
Variant type: single nucleotide variant.
Coding change: c.583C>T on transcript NM_018474.6 (MANE Select); coding-DNA position 583, C replaced by T.
Protein change: p.Arg195Ter; replaces arginine 195 with a stop codon.
Molecular consequence: nonsense.
Genome position (GRCh38, 1-based): chr20:21,162,048, C>T. VCF-style: chr20-21162048-C-T. GRCh37 (hg19) VCF-style: chr20-21142689-C-T.
Other names: c.274C>T, p.Arg92Ter (NM_001163022.3, NM_001352435.2); c.184C>T, p.Arg62Ter (NM_001163023.3); c.436C>T, p.Arg146Ter (NM_001276389.2); c.583C>T, p.Arg195Ter (NM_001352434.2); c.241C>T, p.Arg81Ter (NM_001352436.2); short protein forms R62*, R81*, R195*, R92*, R146*.
Identifiers: ClinVar variation 867191 (VCV000867191.11), dbSNP rs775124094, ClinGen allele CA9784673.
Genomic context (GRCh38, chr20:21,162,048, plus strand): 5'-ACAGAGCACAAATCTCCCCAGCCCACAAAGAACTTTTCAATTCCTGACCCACATTCACAC[C>T]GACAGACAGCCCAGAGCAGTAATGTGACAGACAGCTGTGTAGTACAAACTAGTAATGACA-3'

ClinVar aggregate classification (germline): Pathogenic/Likely pathogenic. Review status: criteria provided, multiple submitters, no conflicts (2 of 4 stars). 4 submissions from 4 submitters: Pathogenic (1); Likely pathogenic (2). 1 of the submissions does not count toward it. Last evaluated 2025-01-07.

Conditions:
KIZ-related disorder. Also called: KIZ-related condition.
Retinitis pigmentosa 69 (RP69). Identifiers: Orphanet 791, MedGen C4014312, MONDO:0014345, OMIM 615780.
Retinal dystrophy. Also called: Inherited retinal dystrophy. Identifiers: Orphanet 71862, MedGen C0854723, MeSH D058499, MONDO:0019118, HP:0000556.

Allele frequency attached by ClinVar (database versions not stated): ExAC 0.00002; gnomAD exomes 0.00002; TOPMed 0.00004.

Submissions (4):

Labcorp Genetics (formerly Invitae), Labcorp
Classification: Pathogenic. Last evaluated: 2025-01-07. Review status: criteria provided, single submitter. Criteria: Invitae Variant Classification Sherloc (09022015). Collection method: clinical testing. Allele origin: germline.
Comment: This sequence change creates a premature translational stop signal (p.Arg195*) in the KIZ gene. It is expected to result in an absent or disrupted protein product. Loss-of-function variants in KIZ are known to be pathogenic (PMID: 24680887, 29057815). This variant is present in population databases (rs775124094, gnomAD 0.003%). This variant has not been reported in the literature in individuals affected with KIZ-related conditions. ClinVar contains an entry for this variant (Variation ID: 867191). For these reasons, this variant has been classified as Pathogenic.

Blueprint Genetics
Classification: Likely pathogenic for KIZ-related disorders. Last evaluated: 2021-08-25. Review status: criteria provided, single submitter. Criteria: ACMG Guidelines, 2015. Collection method: clinical testing. Allele origin: germline. Affected: yes. Observed: 4 variant alleles.

Juno Genomics, Hangzhou Juno Genomics, Inc
Classification: Likely pathogenic for Retinitis pigmentosa 69. Review status: criteria provided, single submitter. Criteria: ACMG Guidelines, 2015. Collection method: clinical testing. Allele origin: germline.
Comment: Null variant in a gene where loss of function (LOF) is a known mechanism of disease.;Absent from controls (or at extremely low frequency if recessive) in Genome Aggregation Database.

Institute of Human Genetics, Univ. Regensburg, Univ. Regensburg
Classification: Pathogenic for Retinal dystrophy. Last evaluated: 2022-01-01. Review status: no assertion criteria provided. Criteria: ACMG Guidelines, 2015. Collection method: clinical testing. Allele origin: germline. Affected: yes. Not counted in ClinVar's aggregate classification.

Literature cited by the submitters: PubMed 24680887 (cited by Labcorp Genetics (formerly Invitae), Labcorp); PubMed 29057815 (cited by Labcorp Genetics (formerly Invitae), Labcorp).